The following is an entry in ClinVar:

ClinVar aggregate classification (germline): Uncertain significance. Review status: criteria provided, multiple submitters, no conflicts (2 of 4 stars). 2 submissions from 2 submitters: Uncertain significance (2). Last evaluated 2025-05-27.

Conditions:
Inborn genetic diseases. Identifiers: MedGen C0950123, MeSH D030342.

Allele frequency attached by ClinVar (database versions not stated): TOPMed below 0.00001; gnomAD 0.00001; gnomAD exomes 0.00001.
gnomAD v4.1: 17 of 1,180,756 alleles (0.0014%); highest among the groups gnomAD compares: African/African-American, 0.0018%; no homozygotes.

Submissions (2):

Labcorp Genetics (formerly Invitae), Labcorp
Classification: Uncertain significance. Last evaluated: 2025-05-27. Review status: criteria provided, single submitter. Criteria: Invitae Variant Classification Sherloc (09022015). Collection method: clinical testing. Allele origin: germline.
Comment: This sequence change replaces aspartic acid, which is acidic and polar, with valine, which is neutral and non-polar, at codon 892 of the POLA1 protein (p.Asp892Val). This variant is not present in population databases (gnomAD no frequency). This variant has not been reported in the literature in individuals affected with POLA1-related conditions. ClinVar contains an entry for this variant (Variation ID: 1446980). An algorithm developed to predict the effect of missense changes on protein structure and function (PolyPhen-2) suggests that this variant is likely to be tolerated. In summary, the available evidence is currently insufficient to determine the role of this variant in disease. Therefore, it has been classified as a Variant of Uncertain Significance.

Ambry Genetics
Classification: Uncertain significance for Inborn genetic diseases. Last evaluated: 2021-08-13. Review status: criteria provided, single submitter. Criteria: Ambry Variant Classification Scheme 2023. Collection method: clinical testing. Allele origin: germline.

NM_001330360.2(POLA1):c.2693A>T (p.Asp898Val)

Gene: POLA1 (DNA polymerase alpha 1, catalytic subunit; plus strand). Cytogenetic location: Xp22.11.
Variant type: single nucleotide variant.
Coding change: c.2693A>T on transcript NM_001330360.2 (MANE Select); coding-DNA position 2693, A replaced by T.
Protein change: p.Asp898Val; replaces aspartic acid 898 with valine.
Molecular consequence: missense variant. On other transcripts: non-coding transcript variant (2).
Genome position (GRCh38, 1-based): chrX:24,748,312, A>T. VCF-style: chrX-24748312-A-T. GRCh37 (hg19) VCF-style: chrX-24766429-A-T.
Other names: c.2675A>T (NM_016937.3); c.2618A>T, p.Asp873Val (NM_001378303.1); c.2675A>T, p.Asp892Val (NM_016937.4); short protein forms D873V, D892V, D898V.
Identifiers: ClinVar variation 1446980 (VCV001446980.9), dbSNP rs753250305, ClinGen allele CA10373287.
Genomic context (GRCh38, chrX:24,748,312, plus strand): 5'-CTGTAGAAATTTATTTCGCAAAAGTTTGATTTGTGTGAAATTTGTTGTGTGTTTATCAGG[A>T]TGGAGAACAAGAACAGATCCCTGAGTTGCCAGATCCAAGCTTAGAAATGGGCATTTTGCC-3'
Protein context (NP_001317289.1, residues 888-908): VASEAQKVTE[Asp898Val]GEQEQIPELP